The following is an entry in ClinVar:

ClinVar aggregate classification (germline): Uncertain significance (1 of 4 stars; one submission).

gnomAD v4.1: 2 of 1,613,874 alleles (0.00012%); highest among the groups gnomAD compares: Non-Finnish European, 0.00017%; no homozygotes.

Submission:

GeneDx
Classification: Uncertain significance. Last evaluated: 2024-03-25. Review status: criteria provided, single submitter. Criteria: GeneDx Variant Classification Process June 2021. Collection method: clinical testing. Allele origin: germline. Affected: yes.
Comment: Not observed at significant frequency in large population cohorts (gnomAD); In silico analysis supports that this missense variant does not alter protein structure/function; Has not been previously published as pathogenic or benign to our knowledge

NM_003024.3(ITSN1):c.1968G>C (p.Arg656Ser)

Gene: ITSN1 (intersectin 1; plus strand). Cytogenetic location: 21q22.11.
Variant type: single nucleotide variant.
Coding change: c.1968G>C on transcript NM_003024.3 (MANE Select); coding-DNA position 1968, G replaced by C.
Protein change: p.Arg656Ser; replaces arginine 656 with serine.
Molecular consequence: missense variant.
Genome position (GRCh38, 1-based): chr21:33,797,394, G>C. VCF-style: chr21-33797394-G-C. GRCh37 (hg19) VCF-style: chr21-35169698-G-C.
Other names: c.1968G>C, p.Arg656Ser (NM_001001132.2, NM_001331008.2, NM_001331009.2 and 2 more transcripts); c.1857G>C, p.Arg619Ser (NM_001331012.2); short protein forms R619S, R656S.
Identifiers: ClinVar variation 3371565 (VCV003371565.1).